The following is an entry in ClinVar:

ClinVar aggregate classification (germline): Uncertain significance. Review status: criteria provided, multiple submitters, no conflicts (2 of 4 stars). 3 submissions from 3 submitters: Uncertain significance (3). Last evaluated 2026-01-18.

Conditions:
Ataxia-telangiectasia syndrome (AT). Also called: AT, COMPLEMENTATION GROUP C; Ataxia telangiectasia (A-T); LOUIS-BAR SYNDROME; Cerebello-oculocutaneous telangiectasia; Immunodeficiency with ataxia telangiectasia; Ataxia-telangiectasia, complementation group D. Identifiers: Orphanet 100, MedGen C0004135, MONDO:0008840, OMIM 208900.
Hereditary cancer-predisposing syndrome. Also called: Neoplastic Syndromes, Hereditary; Hereditary Cancer Syndrome; Hereditary neoplastic syndrome; Tumor predisposition. Identifiers: Orphanet 140162, MedGen C0027672, MeSH D009386, MONDO:0015356.

Allele frequency attached by ClinVar (database versions not stated): ExAC 0.00001; TOPMed 0.00001.
gnomAD v4.1: 5 of 1,613,676 alleles (0.00031%); highest among the groups gnomAD compares: Middle Eastern, 0.017%; no homozygotes.

Submissions (3):

Labcorp Genetics (formerly Invitae), Labcorp
Classification: Uncertain significance for Ataxia-telangiectasia syndrome. Last evaluated: 2026-01-18. Review status: criteria provided, single submitter. Criteria: Invitae Variant Classification Sherloc (09022015). Collection method: clinical testing. Allele origin: germline.
Comment: This sequence change replaces tyrosine, which is neutral and polar, with asparagine, which is neutral and polar, at codon 705 of the ATM protein (p.Tyr705Asn). This variant is present in population databases (rs757260641, gnomAD 0.006%). This variant has not been reported in the literature in individuals affected with ATM-related conditions. ClinVar contains an entry for this variant (Variation ID: 2159936). Invitae Evidence Modeling of protein sequence and biophysical properties (such as structural, functional, and spatial information, amino acid conservation, physicochemical variation, residue mobility, and thermodynamic stability) indicates that this missense variant is not expected to disrupt ATM protein function with a negative predictive value of 95%. In summary, the available evidence is currently insufficient to determine the role of this variant in disease. Therefore, it has been classified as a Variant of Uncertain Significance.

Ambry Genetics
Classification: Uncertain significance for Hereditary cancer-predisposing syndrome. Last evaluated: 2025-10-02. Review status: criteria provided, single submitter. Criteria: Ambry Variant Classification Scheme 2023. Collection method: clinical testing. Allele origin: germline.
Comment: The p.Y705N variant (also known as c.2113T>A), located in coding exon 12 of the ATM gene, results from a T to A substitution at nucleotide position 2113. The tyrosine at codon 705 is replaced by asparagine, an amino acid with dissimilar properties. This amino acid position is well conserved in available vertebrate species. In addition, the in silico prediction for this alteration is inconclusive. Based on the available evidence, the clinical significance of this variant remains unclear.

GeneDx
Classification: Uncertain significance. Last evaluated: 2023-12-04. Review status: criteria provided, single submitter. Criteria: GeneDx Variant Classification Process June 2021. Collection method: clinical testing. Allele origin: germline. Affected: yes.
Comment: Not observed at significant frequency in large population cohorts (gnomAD); In silico analysis supports that this missense variant has a deleterious effect on protein structure/function; Has not been previously published as pathogenic or benign to our knowledge

NM_000051.4(ATM):c.2113T>A (p.Tyr705Asn)

Gene: ATM (ATM serine/threonine kinase; plus strand). Cytogenetic location: 11q22.3.
Variant type: single nucleotide variant.
Coding change: c.2113T>A on transcript NM_000051.4 (MANE Select); coding-DNA position 2113, T replaced by A.
Protein change: p.Tyr705Asn; replaces tyrosine 705 with asparagine.
Molecular consequence: missense variant.
Genome position (GRCh38, 1-based): chr11:108,254,028, T>A. VCF-style: chr11-108254028-T-A. GRCh37 (hg19) VCF-style: chr11-108124755-T-A.
Other names: c.2113T>A, p.Tyr705Asn (NM_001351834.2); short protein forms Y705N.
Identifiers: ClinVar variation 2159936 (VCV002159936.8), dbSNP rs757260641, ClinGen allele CA6264930.
Genomic context (GRCh38, chr11:108,254,028, plus strand): 5'-AATCTCAAGGAATCACTGGATCGCTGTCTTCTGGGATTATCAGAACAGCTTCTGAATAAT[T>A]ACTCATCTGAGGTGAGATTTTTTAAAAAAAGAACTAAGCTTATATATGATTCAACTTTGG-3'
Protein context (NP_000042.3, residues 695-715): LGLSEQLLNN[Tyr705Asn]SSEITNSETL